The following is an entry in ClinVar:

ClinVar aggregate classification (germline): Uncertain significance (1 of 4 stars; one submission).

gnomAD v4.1: 2 of 1,614,056 alleles (0.00012%); highest among the groups gnomAD compares: Non-Finnish European, 0.00017%; no homozygotes.

Submission:

Labcorp Genetics (formerly Invitae), Labcorp
Classification: Uncertain significance. Last evaluated: 2025-12-25. Review status: criteria provided, single submitter. Criteria: Invitae Variant Classification Sherloc (09022015). Collection method: clinical testing. Allele origin: germline.
Comment: This sequence change replaces serine, which is neutral and polar, with phenylalanine, which is neutral and non-polar, at codon 311 of the GSN protein (p.Ser311Phe). This variant is present in population databases (no rsID available, gnomAD 0.002%). This variant has not been reported in the literature in individuals affected with GSN-related conditions. Invitae Evidence Modeling of protein sequence and biophysical properties (such as structural, functional, and spatial information, amino acid conservation, physicochemical variation, residue mobility, and thermodynamic stability) indicates that this missense variant is not expected to disrupt GSN protein function with a negative predictive value of 80%. In summary, the available evidence is currently insufficient to determine the role of this variant in disease. Therefore, it has been classified as a Variant of Uncertain Significance.

NM_198252.3(GSN):c.779C>T (p.Ser260Phe)

Gene: GSN (gelsolin; plus strand). Cytogenetic location: 9q33.2.
Variant type: single nucleotide variant.
Coding change: c.779C>T on transcript NM_198252.3 (MANE Select); coding-DNA position 779, C replaced by T.
Protein change: p.Ser260Phe; replaces serine 260 with phenylalanine.
Molecular consequence: missense variant.
Genome position (GRCh38, 1-based): chr9:121,317,111, C>T. VCF-style: chr9-121317111-C-T. GRCh37 (hg19) VCF-style: chr9-124079389-C-T.
Other names: c.779C>T, p.Ser260Phe (NM_001353061.2, NM_001353062.1, NM_001127662.2 and 10 more transcripts); c.812C>T, p.Ser271Phe (NM_001353063.2, NM_001353064.2, NM_001353065.2 and 13 more transcripts); c.932C>T, p.Ser311Phe (NM_000177.5); c.887C>T, p.Ser296Phe (NM_001127663.2); c.830C>T, p.Ser277Phe (NM_001258029.2); c.803C>T, p.Ser268Phe (NM_001258030.2); c.851C>T, p.Ser284Phe (NM_001353076.2); c.125C>T, p.Ser42Phe (NM_001353078.2); short protein forms S260F, S296F, S42F, S271F, S277F, S268F, S284F, S311F.
Identifiers: ClinVar variation 4775681 (VCV004775681.1).
Genomic context (GRCh38, chr9:121,317,111, plus strand): 5'-CTCATGTGCTGGTTCCTTCTGCTTCGTCCCCTCAGGTCTCCAATGGTGCAGGGACCATGT[C>T]CGTCTCCCTCGTGGCTGATGAGAACCCCTTCGCCCAGGGGGCCCTGAAGTCAGAGGACTG-3'
Protein context (NP_937895.1, residues 250-270): YKVSNGAGTM[Ser260Phe]VSLVADENPF